The following is an entry in ClinVar:

ClinVar aggregate classification (germline): Uncertain significance. Review status: criteria provided, multiple submitters, no conflicts (2 of 4 stars). 2 submissions from 2 submitters: Uncertain significance (2). Last evaluated 2026-01-07.

Allele frequency attached by ClinVar (database versions not stated): gnomAD 0.00003; ExAC 0.00002; TOPMed 0.00004.

Submissions (2):

GeneDx
Classification: Uncertain significance. Last evaluated: 2026-01-07. Review status: criteria provided, single submitter. Criteria: GeneDx Variant Classification Process June 2021. Collection method: clinical testing. Allele origin: germline.
Comment: Not observed at significant frequency in large population cohorts (gnomAD); In silico analysis suggests that this missense variant does not alter protein structure/function; Has not been previously published as pathogenic or benign to our knowledge

Ambry Genetics
Classification: Uncertain significance. Last evaluated: 2024-03-25. Review status: criteria provided, single submitter. Criteria: Ambry Variant Classification Scheme 2023. Collection method: clinical testing. Allele origin: germline.

NM_007208.4(MRPL3):c.61G>C (p.Gly21Arg)

Genes: MRPL3 (mitochondrial ribosomal protein L3; minus strand), LOC105374114 (uncharacterized LOC105374114; plus strand). Cytogenetic location: 3q22.1.
Variant type: single nucleotide variant.
Coding change: c.61G>C on transcript NM_007208.4 (MANE Select); coding-DNA position 61, G replaced by C.
Protein change: p.Gly21Arg; replaces glycine 21 with arginine.
Molecular consequence: missense variant.
Genome position (GRCh38, 1-based): chr3:131,502,761, C>G on the plus strand (G>C on the coding strand, the complement: MRPL3 is on the minus strand). VCF-style: chr3-131502761-C-G. GRCh37 (hg19) VCF-style: chr3-131221605-C-G.
Other names: short protein forms G21R.
Identifiers: ClinVar variation 2220031 (VCV002220031.4), dbSNP rs775175471, ClinGen allele CA2617282.